The following is an entry in ClinVar:

ClinVar aggregate classification (germline): Pathogenic (1 of 4 stars; one submission).

Conditions:
Tuberous sclerosis 2 (TSC2). Identifiers: Orphanet 805, MedGen C1860707, MONDO:0013199, OMIM 613254.

Submission:

Labcorp Genetics (formerly Invitae), Labcorp
Classification: Pathogenic for Tuberous sclerosis 2. Last evaluated: 2018-10-12. Review status: criteria provided, single submitter. Criteria: Invitae Variant Classification Sherloc (09022015). Collection method: clinical testing. Allele origin: germline.
Comment: This sequence change creates a premature translational stop signal (p.Ala1011Valfs*5) in the TSC2 gene. It is expected to result in an absent or disrupted protein product. This variant is not present in population databases (ExAC no frequency). This variant has not been reported in the literature in individuals with TSC2-related disease. Algorithms developed to predict the effect of sequence changes on RNA splicing suggest that this variant may create or strengthen a splice site, but this prediction has not been confirmed by published transcriptional studies. Loss-of-function variants in TSC2 are known to be pathogenic (PMID: 10205261, 17304050). For these reasons, this variant has been classified as Pathogenic.

Literature cited by the submitters: PubMed 10205261; PubMed 17304050.

NM_000548.5(TSC2):c.3032del (p.Ala1011fs)

Gene: TSC2 (TSC complex subunit 2; plus strand). Cytogenetic location: 16p13.3.
Variant type: Deletion.
Coding change: c.3032del on transcript NM_000548.5 (MANE Select); coding-DNA position 3032, one base deleted (C; older notation c.3032delC).
Protein change: p.Ala1011fs; shifts the reading frame from alanine 1011.
Molecular consequence: frameshift variant.
Genome position (GRCh38, 1-based): chr16:2,079,097, C deleted. VCF-style (leftmost placement, unchanged base first): chr16-2079096-GC-G. GRCh37 (hg19) VCF-style: chr16-2129097-GC-G.
Other names: c.2900del, p.Ala967fs (NM_001077183.3, NM_001370404.1); c.3032del, p.Ala1011fs (NM_001114382.3); c.2792del, p.Ala931fs (NM_001318827.2); c.2756del, p.Ala919fs (NM_001318829.2); c.2300del, p.Ala767fs (NM_001318831.2); c.2933del, p.Ala978fs (NM_001318832.2); c.2903del, p.Ala968fs (NM_001363528.2, NM_001370405.1, NM_021055.3); short protein forms A1011fs, A919fs, A967fs, A767fs, A931fs, A968fs, A978fs.
Identifiers: ClinVar variation 646582 (VCV000646582.6), dbSNP rs1596382441, ClinGen allele CA915946289.
Genomic context (GRCh38, chr16:2,079,096, plus strand): 5'-ATACAGACGTCCCTCACCAGTGCCAGCTTGGGGTCTGCAGATGAGAACTCCGTGGCCCAG[GC>G]TGACGATAGCCTGAAAAACCTCCACCTGGAGCTCACGGAAACCTGTCTGGACATGATGGC-3'